The following is an entry in ClinVar:

NM_004104.5(FASN):c.1591G>A (p.Gly531Ser)

Gene: FASN (fatty acid synthase; minus strand). Cytogenetic location: 17q25.3.
Variant type: single nucleotide variant.
Coding change: c.1591G>A on transcript NM_004104.5 (MANE Select); coding-DNA position 1591, G replaced by A.
Protein change: p.Gly531Ser; replaces glycine 531 with serine.
Molecular consequence: missense variant.
Genome position (GRCh38, 1-based): chr17:82,090,971, C>T on the plus strand (G>A on the coding strand, the complement: FASN is on the minus strand). VCF-style: chr17-82090971-C-T. GRCh37 (hg19) VCF-style: chr17-80048847-C-T.
Other names: short protein forms G531S.
Identifiers: ClinVar variation 656229 (VCV000656229.11), dbSNP rs765536318, ClinGen allele CA8853096.

ClinVar aggregate classification (germline): Uncertain significance. Review status: criteria provided, multiple submitters, no conflicts (2 of 4 stars). 2 submissions from 2 submitters: Uncertain significance (2). Last evaluated 2025-11-26.

Conditions:
Epileptic encephalopathy. Identifiers: MedGen C0543888, HP:0200134.

Allele frequency attached by ClinVar (database versions not stated): gnomAD exomes 0.00002; ExAC 0.00005; gnomAD 0.00005 and 0.00006; TOPMed 0.00006.
gnomAD v4.1: 40 of 1,612,752 alleles (0.0025%); highest among the groups gnomAD compares: African/African-American, 0.013%; no homozygotes.

Submissions (2):

Labcorp Genetics (formerly Invitae), Labcorp
Classification: Uncertain significance for Epileptic encephalopathy. Last evaluated: 2025-11-26. Review status: criteria provided, single submitter. Criteria: Invitae Variant Classification Sherloc (09022015). Collection method: clinical testing. Allele origin: germline.
Comment: This sequence change replaces glycine, which is neutral and non-polar, with serine, which is neutral and polar, at codon 531 of the FASN protein (p.Gly531Ser). This variant is present in population databases (rs765536318, gnomAD 0.01%). This variant has not been reported in the literature in individuals affected with FASN-related conditions. ClinVar contains an entry for this variant (Variation ID: 656229). An algorithm developed to predict the effect of missense changes on protein structure and function (PolyPhen-2) suggests that this variant is likely to be disruptive. In summary, the available evidence is currently insufficient to determine the role of this variant in disease. Therefore, it has been classified as a Variant of Uncertain Significance.

Ambry Genetics
Classification: Uncertain significance. Last evaluated: 2023-12-12. Review status: criteria provided, single submitter. Criteria: Ambry Variant Classification Scheme 2023. Collection method: clinical testing. Allele origin: germline.